The following is an entry in ClinVar:

NM_004444.5(EPHB4):c.380C>T (p.Thr127Met)

Gene: EPHB4 (EPH receptor B4; minus strand). Cytogenetic location: 7q22.1.
Variant type: single nucleotide variant.
Coding change: c.380C>T on transcript NM_004444.5 (MANE Select); coding-DNA position 380, C replaced by T.
Protein change: p.Thr127Met; replaces threonine 127 with methionine.
Molecular consequence: missense variant.
Genome position (GRCh38, 1-based): chr7:100,823,675, G>A on the plus strand (C>T on the coding strand, the complement: EPHB4 is on the minus strand). VCF-style: chr7-100823675-G-A. GRCh37 (hg19) VCF-style: chr7-100421297-G-A.
Other names: short protein forms T127M.
Identifiers: ClinVar variation 2562047 (VCV002562047.4), dbSNP rs142856240, ClinGen allele CA4393321.

ClinVar aggregate classification (germline): Conflicting classifications of pathogenicity. Review status: criteria provided, conflicting classifications (1 of 4 stars). 2 submissions from 2 submitters: Uncertain significance (1); Likely benign (1). Last evaluated 2025-09-08.

Conditions:
Cardiovascular phenotype. Identifiers: MedGen CN230736.

Allele frequency attached by ClinVar (database versions not stated): TOPMed below 0.00001; ExAC 0.00001; gnomAD 0.00001; gnomAD exomes 0.00005; ESP Exome Variant Server 0.00008.

Submissions (2):

Ambry Genetics
Classification: Likely benign for Cardiovascular phenotype. Last evaluated: 2025-09-08. Review status: criteria provided, single submitter. Criteria: Ambry Variant Classification Scheme 2023. Collection method: clinical testing. Allele origin: germline.

ARUP Laboratories, Molecular Genetics and Genomics, ARUP Laboratories
Classification: Uncertain significance. Last evaluated: 2024-07-15. Review status: criteria provided, single submitter. Criteria: ARUP Molecular Germline Variant Investigation Process 2024. Collection method: clinical testing. Allele origin: germline.
Comment: The EPHB4 c.380C>T; p.Thr127Met variant (rs142856240), to our knowledge, is not reported in the medical literature but is reported in ClinVar (Variation ID: 2562047). This variant is observed in the general population with an overall allele frequency of 0.001% (3/247798 alleles) in the Genome Aggregation Database (v2.1.1). Computational analyses predict that this variant is neutral (REVEL: 0.061). Due to limited information, the clinical significance of this variant is uncertain at this time.